The following is an entry in ClinVar:

NM_000466.3(PEX1):c.977C>T (p.Pro326Leu)

Gene: PEX1 (peroxisomal biogenesis factor 1; minus strand). Cytogenetic location: 7q21.2.
Variant type: single nucleotide variant.
Coding change: c.977C>T on transcript NM_000466.3 (MANE Select); coding-DNA position 977, C replaced by T.
Protein change: p.Pro326Leu; replaces proline 326 with leucine.
Molecular consequence: missense variant.
Genome position (GRCh38, 1-based): chr7:92,517,538, G>A on the plus strand (C>T on the coding strand, the complement: PEX1 is on the minus strand). VCF-style: chr7-92517538-G-A. GRCh37 (hg19) VCF-style: chr7-92146852-G-A.
Other names: c.977C>T, p.Pro326Leu (NM_001282677.2); c.353C>T, p.Pro118Leu (NM_001282678.2); short protein forms P118L, P326L.
Identifiers: ClinVar variation 1367370 (VCV001367370.8), dbSNP rs1341957716, ClinGen allele CA368198698.

ClinVar aggregate classification (germline): Uncertain significance (1 of 4 stars; one submission).

Conditions:
Zellweger spectrum disorders (ZS). Also called: Zellweger Spectrum Disorder (ZSD); Zellweger syndrome; Zellweger Spectrum Disorder; Zellweger Spectrum. Identifiers: Orphanet 912, MedGen C0043459, MONDO:0019609.

Allele frequency attached by ClinVar (database versions not stated): gnomAD exomes below 0.00001.
gnomAD v4.1: 5 of 1,613,942 alleles (0.00031%); highest among the groups gnomAD compares: Non-Finnish European, 0.00042%; no homozygotes.

Submission:

Labcorp Genetics (formerly Invitae), Labcorp
Classification: Uncertain significance for Zellweger spectrum disorders. Last evaluated: 2022-02-24. Review status: criteria provided, single submitter. Criteria: Invitae Variant Classification Sherloc (09022015). Collection method: clinical testing. Allele origin: germline.
Comment: This sequence change replaces proline, which is neutral and non-polar, with leucine, which is neutral and non-polar, at codon 326 of the PEX1 protein (p.Pro326Leu). This variant is not present in population databases (gnomAD no frequency). This variant has not been reported in the literature in individuals affected with PEX1-related conditions. Algorithms developed to predict the effect of missense changes on protein structure and function are either unavailable or do not agree on the potential impact of this missense change (SIFT: "Deleterious"; PolyPhen-2: "Benign"; Align-GVGD: "Class C0"). In summary, the available evidence is currently insufficient to determine the role of this variant in disease. Therefore, it has been classified as a Variant of Uncertain Significance.